The following is an entry in ClinVar:

NM_001371623.1(TCOF1):c.3260dup (p.Gln1088fs)

Gene: TCOF1 (treacle ribosome biogenesis factor 1; plus strand). Cytogenetic location: 5q32.
Variant type: Duplication.
Coding change: c.3260dup on transcript NM_001371623.1 (MANE Select); coding-DNA position 3260, one base duplicated (C; older notation c.3260dupC).
Protein change: p.Gln1088fs; shifts the reading frame from glutamine 1088.
Molecular consequence: frameshift variant. On other transcripts: intron variant (3).
Genome position (GRCh38, 1-based): chr5:150,391,620, C duplicated. VCF-style (leftmost placement, unchanged base first): chr5-150391619-G-GC. GRCh37 (hg19) VCF-style: chr5-149771182-G-GC.
Other names: c.3029dup, p.Gln1011fs (NM_000356.4, NM_001135245.2); c.3260dup, p.Gln1088fs (NM_001135243.2); c.3184-337dup (NM_001135244.2, NM_001195141.2); c.3064-337dup (NM_001437406.1); short protein forms Q1011fs, Q1088fs.
Identifiers: ClinVar variation 4280131 (VCV004280131.1).

ClinVar aggregate classification (germline): Likely pathogenic (1 of 4 stars; one submission).

Conditions:
Emery-Dreifuss muscular dystrophy 4, autosomal dominant (EDMD4). Also called: EMERY-DREIFUSS MUSCULAR DYSTROPHY 4 WITH VARIABLE FEATURES. Identifiers: Orphanet 261, MedGen C2751807, MONDO:0013071, OMIM 612998.

Submission:

Johns Hopkins Genomics, Johns Hopkins University
Classification: Likely pathogenic for Emery-Dreifuss muscular dystrophy 4, autosomal dominant. Last evaluated: 2025-01-29. Review status: criteria provided, single submitter. Criteria: ACMG Guidelines, 2015. Collection method: clinical testing. Allele origin: germline.
Comment: This TCOF1 variant is absent from a large population dataset and has not been reported in ClinVar nor in the literature in individuals with Treacher Collins syndrome, to our knowledge. This frameshift variant results in a premature stop codon in exon 21 of 27 likely leading to nonsense-mediated decay and lack of protein production. We consider this variant to be likely pathogenic.

Literature cited by the submitters: PubMed 25790162; PubMed 8875242; PubMed 9042910.